The following is an entry in ClinVar:

ClinVar aggregate classification (germline): Uncertain significance. Review status: criteria provided, multiple submitters, no conflicts (2 of 4 stars). 2 submissions from 2 submitters: Uncertain significance (2). Last evaluated 2025-08-17.

Conditions:
Left ventricular noncompaction 8 (LVNC8). Identifiers: Orphanet 154, Orphanet 54260, MedGen C3809288, MONDO:0014152, OMIM 615373.

Allele frequency attached by ClinVar (database versions not stated): gnomAD exomes below 0.00001; TOPMed 0.00001; gnomAD 0.00002 and 0.00003.
gnomAD v4.1: 9 of 1,613,336 alleles (0.00056%); highest among the groups gnomAD compares: African/African-American, 0.0067%; no homozygotes.

Submissions (2):

Labcorp Genetics (formerly Invitae), Labcorp
Classification: Uncertain significance for Left ventricular noncompaction 8. Last evaluated: 2025-08-17. Review status: criteria provided, single submitter. Criteria: Invitae Variant Classification Sherloc (09022015). Collection method: clinical testing. Allele origin: germline.
Comment: This sequence change replaces asparagine, which is neutral and polar, with aspartic acid, which is acidic and polar, at codon 1274 of the PRDM16 protein (p.Asn1274Asp). This variant is present in population databases (no rsID available, gnomAD 0.02%). This variant has not been reported in the literature in individuals affected with PRDM16-related conditions. ClinVar contains an entry for this variant (Variation ID: 1436395). An algorithm developed to predict the effect of missense changes on protein structure and function (PolyPhen-2) suggests that this variant is likely to be tolerated. In summary, the available evidence is currently insufficient to determine the role of this variant in disease. Therefore, it has been classified as a Variant of Uncertain Significance.

GeneDx
Classification: Uncertain significance. Last evaluated: 2024-04-11. Review status: criteria provided, single submitter. Criteria: GeneDx Variant Classification Process June 2021. Collection method: clinical testing. Allele origin: germline. Affected: yes.
Comment: In silico analysis indicates that this missense variant does not alter protein structure/function; Has not been previously published as pathogenic or benign to our knowledge

NM_022114.4(PRDM16):c.3820A>G (p.Asn1274Asp)

Gene: PRDM16 (PR/SET domain 16; plus strand). Cytogenetic location: 1p36.32.
Variant type: single nucleotide variant.
Coding change: c.3820A>G on transcript NM_022114.4 (MANE Select); coding-DNA position 3820, A replaced by G.
Protein change: p.Asn1274Asp; replaces asparagine 1274 with aspartic acid.
Molecular consequence: missense variant.
Genome position (GRCh38, 1-based): chr1:3,433,800, A>G. VCF-style: chr1-3433800-A-G. GRCh37 (hg19) VCF-style: chr1-3350364-A-G.
Other names: c.3763A>G, p.Asn1255Asp (NM_199454.3); c.3820A>G (NM_022114.3); short protein forms N1255D, N1274D.
Identifiers: ClinVar variation 1436395 (VCV001436395.9), dbSNP rs1379723348, ClinGen allele CA338005943.